The following is an entry in ClinVar:

NM_018406.7(MUC4):c.11985A>C (p.Thr3995=)

Gene: MUC4 (mucin 4, cell surface associated). Cytogenetic location: 3q29.
Variant type: single nucleotide variant.
Coding change: c.11985A>C on transcript NM_018406.7 (MANE Select); coding-DNA position 11985, A replaced by C.
Protein change: p.Thr3995=; no amino-acid change (threonine 3995 retained).
Molecular consequence: synonymous variant. On other transcripts: no sequence alteration (1), genic upstream transcript variant (2).
Genome position (GRCh38, 1-based): chr3:195,779,595, T>G on the plus strand (A>C on the coding strand, the complement: MUC4 is on the minus strand). VCF-style: chr3-195779595-T-G. GRCh37 (hg19) VCF-style: chr3-195506466-T-G.
Other names: c.17283=, p.Thr5761= (NM_001322468.1); c.83-5290A>C (NM_138297.5); c.83-1140A>C (NM_004532.6).
Identifiers: ClinVar variation 2654397 (VCV002654397.24), dbSNP rs1553868545, ClinGen allele CA2769118.

ClinVar aggregate classification (germline): Likely benign (1 of 4 stars; one submission).

Allele frequency attached by ClinVar (database versions not stated): gnomAD 0.00001; gnomAD exomes 0.00001.
gnomAD v4.1: 11 of 1,383,580 alleles (0.0008%); highest among the groups gnomAD compares: East Asian, 0.0028%; no homozygotes.

Submission:

CeGaT Center for Human Genetics Tuebingen
Classification: Likely benign. Last evaluated: 2025-07-01. Review status: criteria provided, single submitter. Criteria: CeGaT Center For Human Genetics Tuebingen Variant Classification Criteria Version 2. Collection method: clinical testing. Allele origin: germline. Affected: yes. Observed: 2 variant alleles.
Comment: MUC4: BP4, BP7